The following is an entry in ClinVar:

NM_001374736.1(DST):c.15398A>G (p.Lys5133Arg)

Gene: DST (dystonin; minus strand). Cytogenetic location: 6p12.1.
Variant type: single nucleotide variant.
Coding change: c.15398A>G on transcript NM_001374736.1 (MANE Select); coding-DNA position 15398, A replaced by G.
Protein change: p.Lys5133Arg; replaces lysine 5133 with arginine.
Molecular consequence: missense variant.
Genome position (GRCh38, 1-based): chr6:56,553,394, T>C on the plus strand (A>G on the coding strand, the complement: DST is on the minus strand). VCF-style: chr6-56553394-T-C. GRCh37 (hg19) VCF-style: chr6-56418192-T-C.
Other names: c.9041A>G, p.Lys3014Arg (NM_001144769.5); c.8627A>G, p.Lys2876Arg (NM_001144770.2); c.15398A>G, p.Lys5133Arg (NM_001374722.1); c.14765A>G, p.Lys4922Arg (NM_001374729.1); c.8507A>G, p.Lys2836Arg (NM_001374730.1, NM_001386100.1, NM_183380.4); c.15425A>G, p.Lys5142Arg (NM_001374734.1); c.7529A>G, p.Lys2510Arg (NM_015548.5); short protein forms K3014R, K4922R, K2510R, K2876R, K5142R, K2836R, K5133R.
Identifiers: ClinVar variation 1394870 (VCV001394870.8), dbSNP rs758523476, ClinGen allele CA3867821.
Genomic context (GRCh38, chr6:56,553,394, plus strand): 5'-TGCTTATTAAATGTATCCCAATTGGTTTTAATTGTATTAAGCTGTAACTGTAAGGCTGCC[T>C]TCTCAGACCCTTGTGTTTTTAATAACAGATTTTCACCTTCTGCAATGGTTTTTTCATACA-3'
Protein context (NP_001361665.1, residues 5123-5143): NLLLKTQGSE[Lys5133Arg]AALQLQLNTI

ClinVar aggregate classification (germline): Uncertain significance. Review status: criteria provided, multiple submitters, no conflicts (2 of 4 stars). 2 submissions from 2 submitters: Uncertain significance (2). Last evaluated 2022-09-02.

Conditions:
Epidermolysis bullosa simplex 3, localized or generalized intermediate, with BP230 deficiency (EBS3). Also called: Epidermolysis bullosa simplex, autosomal recessive 2; Epidermolysis bullosa simplex due to BP230 deficiency. Identifiers: Orphanet 412181, MedGen C3809470, MONDO:0014180, OMIM 615425.
Hereditary sensory and autonomic neuropathy type 6. Also called: HSAN VI; Neuropathy, hereditary sensory and autonomic, type VI. Identifiers: Orphanet 314381, MedGen C3539003, MONDO:0013839, OMIM 614653.
Inborn genetic diseases. Identifiers: MedGen C0950123, MeSH D030342.

Allele frequency attached by ClinVar (database versions not stated): TOPMed below 0.00001; ExAC 0.00001; gnomAD 0.00001; gnomAD exomes 0.00001 and 0.00002.
gnomAD v4.1: 26 of 1,600,240 alleles (0.0016%); highest among the groups gnomAD compares: Non-Finnish European, 0.0022%; no homozygotes.

Submissions (2):

Ambry Genetics
Classification: Uncertain significance for Inborn genetic diseases. Last evaluated: 2022-09-02. Review status: criteria provided, single submitter. Criteria: Ambry Variant Classification Scheme 2023. Collection method: clinical testing. Allele origin: germline.
Comment: The p.K3014R variant (also known as c.9041A>G), located in coding exon 55 of the DST gene, results from an A to G substitution at nucleotide position 9041. The lysine at codon 3014 is replaced by arginine, an amino acid with highly similar properties. This amino acid position is well conserved in available vertebrate species. In addition, this alteration is predicted to be tolerated by in silico analysis. Since supporting evidence is limited at this time, the clinical significance of this alteration remains unclear.

Labcorp Genetics (formerly Invitae), Labcorp
Classification: Uncertain significance for Epidermolysis bullosa simplex 3, localized or generalized intermediate, with BP230 deficiency; Hereditary sensory and autonomic neuropathy type 6. Last evaluated: 2022-05-10. Review status: criteria provided, single submitter. Criteria: Invitae Variant Classification Sherloc (09022015). Collection method: clinical testing. Allele origin: germline.
Comment: In summary, the available evidence is currently insufficient to determine the role of this variant in disease. Therefore, it has been classified as a Variant of Uncertain Significance. The DST gene has multiple clinically relevant transcripts. This variant occurs in alternate transcript NM_015548.4, and corresponds to NM_001723.5:c.*62123A>G in the primary transcript. This sequence change replaces lysine, which is basic and polar, with arginine, which is basic and polar, at codon 2510 of the DST protein (p.Lys2510Arg). This variant is present in population databases (rs758523476, gnomAD 0.003%). This variant has not been reported in the literature in individuals affected with DST-related conditions. Experimental studies and prediction algorithms are not available or were not evaluated, and the functional significance of this variant is currently unknown.